The following is an entry in ClinVar:

ClinVar aggregate classification (germline): Uncertain significance. Review status: criteria provided, multiple submitters, no conflicts (2 of 4 stars). 3 submissions from 3 submitters: Uncertain significance (3). Last evaluated 2025-05-15.

Conditions:
Inborn genetic diseases. Identifiers: MedGen C0950123, MeSH D030342.
Peters plus syndrome. Also called: KRAUSE-KIVLIN SYNDROME. Identifiers: Orphanet 709, MedGen C0796012, MONDO:0009856, OMIM 261540.

Allele frequency attached by ClinVar (database versions not stated): gnomAD exomes 0.00002 and 0.00004; TOPMed 0.00003; ExAC 0.00004; gnomAD 0.00007 and 0.00009; ESP Exome Variant Server 0.00015; 1000 Genomes Project 30x 0.00016.
gnomAD v4.1: 45 of 1,611,906 alleles (0.0028%); highest among the groups gnomAD compares: Admixed American, 0.0067%; no homozygotes.

Submissions (3):

Ambry Genetics
Classification: Uncertain significance for Inborn genetic diseases. Last evaluated: 2025-05-15. Review status: criteria provided, single submitter. Criteria: Ambry Variant Classification Scheme 2023. Collection method: clinical testing. Allele origin: germline.

Labcorp Genetics (formerly Invitae), Labcorp
Classification: Uncertain significance for Peters plus syndrome. Last evaluated: 2022-03-21. Review status: criteria provided, single submitter. Criteria: Invitae Variant Classification Sherloc (09022015). Collection method: clinical testing. Allele origin: germline.
Comment: This variant has not been reported in the literature in individuals affected with B3GLCT-related conditions. In summary, the available evidence is currently insufficient to determine the role of this variant in disease. Therefore, it has been classified as a Variant of Uncertain Significance. Algorithms developed to predict the effect of missense changes on protein structure and function (SIFT, PolyPhen-2, Align-GVGD) all suggest that this variant is likely to be tolerated. ClinVar contains an entry for this variant (Variation ID: 883026). This variant is present in population databases (rs142421716, gnomAD 0.007%). This sequence change replaces proline, which is neutral and non-polar, with leucine, which is neutral and non-polar, at codon 115 of the B3GLCT protein (p.Pro115Leu).

Illumina Laboratory Services, Illumina
Classification: Uncertain significance for Peters plus syndrome. Last evaluated: 2018-01-13. Review status: criteria provided, single submitter. Criteria: ICSL Variant Classification Criteria 13 December 2019. Collection method: clinical testing. Allele origin: germline.

NM_194318.4(B3GLCT):c.344C>T (p.Pro115Leu)

Gene: B3GLCT (beta 3-glucosyltransferase; plus strand). Cytogenetic location: 13q12.3.
Variant type: single nucleotide variant.
Coding change: c.344C>T on transcript NM_194318.4 (MANE Select); coding-DNA position 344, C replaced by T.
Protein change: p.Pro115Leu; replaces proline 115 with leucine.
Molecular consequence: missense variant.
Genome position (GRCh38, 1-based): chr13:31,247,096, C>T. VCF-style: chr13-31247096-C-T. GRCh37 (hg19) VCF-style: chr13-31821233-C-T.
Other names: short protein forms P115L.
Identifiers: ClinVar variation 883026 (VCV000883026.11), dbSNP rs142421716, ClinGen allele CA6936556.